The following is an entry in ClinVar:

NM_145045.5(ODAD3):c.199G>C (p.Val67Leu)

Gene: ODAD3 (outer dynein arm docking complex subunit 3; minus strand). Cytogenetic location: 19p13.2.
Variant type: single nucleotide variant.
Coding change: c.199G>C on transcript NM_145045.5 (MANE Select); coding-DNA position 199, G replaced by C.
Protein change: p.Val67Leu; replaces valine 67 with leucine.
Molecular consequence: missense variant. On other transcripts: intron variant (1).
Genome position (GRCh38, 1-based): chr19:11,434,818, C>G on the plus strand (G>C on the coding strand, the complement: ODAD3 is on the minus strand). VCF-style: chr19-11434818-C-G. GRCh37 (hg19) VCF-style: chr19-11545639-C-G.
Other names: c.199G>C, p.Val67Leu (NM_001302454.2); c.82+872G>C (NM_001302453.1); short protein forms V67L.
Identifiers: ClinVar variation 852533 (VCV000852533.1), dbSNP rs1444450984, ClinGen allele CA404128178.

ClinVar aggregate classification (germline): Uncertain significance (1 of 4 stars; one submission).

Conditions:
Primary ciliary dyskinesia 30. Also called: CILIARY DYSKINESIA, PRIMARY, 30, WITH OR WITHOUT SITUS INVERSUS. Identifiers: Orphanet 244, MedGen C4015016, MONDO:0014465, OMIM 616037.

Allele frequency attached by ClinVar (database versions not stated): gnomAD exomes below 0.00001.
gnomAD v4.1: 1 of 1,614,132 alleles (0.000062%); highest among the groups gnomAD compares: Non-Finnish European, 0.000085%; no homozygotes.

Submission:

Labcorp Genetics (formerly Invitae), Labcorp
Classification: Uncertain significance for Primary ciliary dyskinesia 30. Last evaluated: 2019-03-19. Review status: criteria provided, single submitter. Criteria: Invitae Variant Classification Sherloc (09022015). Collection method: clinical testing. Allele origin: germline.
Comment: This sequence change replaces valine with leucine at codon 67 of the CCDC151 protein (p.Val67Leu). The valine residue is moderately conserved and there is a small physicochemical difference between valine and leucine. This variant is not present in population databases (ExAC no frequency). This variant has not been reported in the literature in individuals with CCDC151-related conditions. Algorithms developed to predict the effect of missense changes on protein structure and function output the following: SIFT: "Tolerated"; PolyPhen-2: "Benign"; Align-GVGD: "Class C0". The leucine amino acid residue is found in multiple mammalian species, suggesting that this missense change does not adversely affect protein function. These predictions have not been confirmed by published functional studies and their clinical significance is uncertain. In summary, the available evidence is currently insufficient to determine the role of this variant in disease. Therefore, it has been classified as a Variant of Uncertain Significance.